The following is an entry in ClinVar:

ClinVar aggregate classification (germline): Pathogenic (1 of 4 stars; one submission).

Conditions:
Glycogen storage disease, type V (GSD5). Also called: MCARDLE DISEASE; MUSCLE GLYCOGEN PHOSPHORYLASE DEFICIENCY; MYOPHOSPHORYLASE DEFICIENCY; PYGM DEFICIENCY; McArdle type glycogen storage disease. Identifiers: Orphanet 368, MedGen C0017924, MONDO:0009293, OMIM 232600.

Submission:

Labcorp Genetics (formerly Invitae), Labcorp
Classification: Pathogenic for Glycogen storage disease, type V. Last evaluated: 2023-05-13. Review status: criteria provided, single submitter. Criteria: Invitae Variant Classification Sherloc (09022015). Collection method: clinical testing. Allele origin: germline.
Comment: For these reasons, this variant has been classified as Pathogenic. This variant has not been reported in the literature in individuals affected with PYGM-related conditions. This variant is not present in population databases (gnomAD no frequency). This sequence change creates a premature translational stop signal (p.Tyr186*) in the PYGM gene. It is expected to result in an absent or disrupted protein product. Loss-of-function variants in PYGM are known to be pathogenic (PMID: 8316268, 16786513).

Literature cited by the submitters: PubMed 8316268; PubMed 16786513.

NM_005609.4(PYGM):c.558C>G (p.Tyr186Ter)

Gene: PYGM (glycogen phosphorylase, muscle associated; minus strand). Cytogenetic location: 11q13.1.
Variant type: single nucleotide variant.
Coding change: c.558C>G on transcript NM_005609.4 (MANE Select); coding-DNA position 558, C replaced by G.
Protein change: p.Tyr186Ter; replaces tyrosine 186 with a stop codon.
Molecular consequence: nonsense.
Genome position (GRCh38, 1-based): chr11:64,757,881, G>C on the plus strand (C>G on the coding strand, the complement: PYGM is on the minus strand). VCF-style: chr11-64757881-G-C. GRCh37 (hg19) VCF-style: chr11-64525353-G-C.
Other names: c.294C>G, p.Tyr98Ter (NM_001164716.1); short protein forms Y98*, Y186*.
Identifiers: ClinVar variation 2863948 (VCV002863948.3), dbSNP rs144298015, ClinGen allele CA381107971.